The following is an entry in ClinVar:

NM_014112.5(TRPS1):c.1262A>T (p.Asp421Val)

Gene: TRPS1 (transcriptional repressor GATA binding 1; minus strand). Cytogenetic location: 8q23.3.
Variant type: single nucleotide variant.
Coding change: c.1262A>T on transcript NM_014112.5 (MANE Select); coding-DNA position 1262, A replaced by T.
Protein change: p.Asp421Val; replaces aspartic acid 421 with valine.
Molecular consequence: missense variant.
Genome position (GRCh38, 1-based): chr8:115,604,707, T>A on the plus strand (A>T on the coding strand, the complement: TRPS1 is on the minus strand). VCF-style: chr8-115604707-T-A. GRCh37 (hg19) VCF-style: chr8-116616934-T-A.
Other names: c.1235A>T, p.Asp412Val (NM_001282902.3); c.1241A>T, p.Asp414Val (NM_001282903.3); c.1223A>T, p.Asp408Val (NM_001330599.2); short protein forms D408V, D412V, D414V, D421V.
Identifiers: ClinVar variation 4884425 (VCV004884425.1).

ClinVar aggregate classification (germline): Uncertain significance (1 of 4 stars; one submission).

Conditions:
Trichorhinophalangeal syndrome, type III (TRPS3). Also called: SUGIO-KAJII SYNDROME. Identifiers: Orphanet 77258, MedGen C1860823, OMIM 190351, MONDO:0008597.
Trichorhinophalangeal dysplasia type I (TRPS1). Also called: TRICHORHINOPHALANGEAL SYNDROME, TYPE I; TRPS I. Identifiers: Orphanet 77258, MedGen C0432233, MONDO:0008596, OMIM 190350.

Submission:

Institute of Medical Genetics, University of Zurich
Classification: Uncertain significance for Trichorhinophalangeal dysplasia type I; Trichorhinophalangeal syndrome, type III. Last evaluated: 2026-06-17. Review status: criteria provided, single submitter. Criteria: ACMG Guidelines, 2015. Collection method: clinical testing. Allele origin: germline. Inheritance: Autosomal dominant inheritance. Affected: yes. Observed: 2 variant alleles.
Comment: The missense variant c.1262A>T (p.(Asp421Val)) in the TRPS1 gene (NM_014112.5) affects a highly conserved amino acid residue, and multiple in silico prediction tools support a deleterious effect on protein function. Heterozygous pathogenic and likely pathogenic variants in the TRPS1 gene are associated with autosomal dominant Trichorhinophalangeal syndrome type I (OMIM #190350) and type III (OMIM #190351). Most reported pathogenic variants in TRPS1 are truncating variants (nonsense-mutations, frameshifts) and deletions, whereas pathogenic missense variants are relatively uncommon. This variant is absent from population databases (gnomAD v4.1.1) and, to our knowledge, has not been previously reported in the literature. While reduced penetrance has not been previously reported in trichorhinophalangeal syndrome (GeneReviews 2024), considerable intra- and interfamilial phenotypic variability associated with identical TRPS1 variants has been described (PMID: 11112658, 25792522). The relatively mild phenotype observed in the mother raises the possibility that c.1262A>T (p.(Asp421Val)) may represent a hypomorphic allele, although additional functional and clinical evidence is required to support this hypothesis. In the absence of additional supporting evidence, this variant is classified as Variant of Uncertain Significance (VUS).